The following is an entry in ClinVar:

ClinVar aggregate classification (germline): Uncertain significance (1 of 4 stars; one submission).

Allele frequency attached by ClinVar (database versions not stated): gnomAD exomes below 0.00001; ExAC 0.00001; TOPMed 0.00001; gnomAD 0.00001.
gnomAD v4.1: 7 of 1,614,076 alleles (0.00043%); highest among the groups gnomAD compares: Middle Eastern, 0.016%; no homozygotes.

Submission:

Labcorp Genetics (formerly Invitae), Labcorp
Classification: Uncertain significance. Last evaluated: 2025-02-06. Review status: criteria provided, single submitter. Criteria: Invitae Variant Classification Sherloc (09022015). Collection method: clinical testing. Allele origin: germline.
Comment: This sequence change replaces serine, which is neutral and polar, with asparagine, which is neutral and polar, at codon 563 of the ALPK1 protein (p.Ser563Asn). This variant is present in population databases (rs771652027, gnomAD 0.0009%). This variant has not been reported in the literature in individuals affected with ALPK1-related conditions. ClinVar contains an entry for this variant (Variation ID: 2108534). Invitae Evidence Modeling of protein sequence and biophysical properties (such as structural, functional, and spatial information, amino acid conservation, physicochemical variation, residue mobility, and thermodynamic stability) indicates that this missense variant is not expected to disrupt ALPK1 protein function with a negative predictive value of 80%. In summary, the available evidence is currently insufficient to determine the role of this variant in disease. Therefore, it has been classified as a Variant of Uncertain Significance.

NM_025144.4(ALPK1):c.1688G>A (p.Ser563Asn)

Gene: ALPK1 (alpha kinase 1; plus strand). Cytogenetic location: 4q25.
Variant type: single nucleotide variant.
Coding change: c.1688G>A on transcript NM_025144.4 (MANE Select); coding-DNA position 1688, G replaced by A.
Protein change: p.Ser563Asn; replaces serine 563 with asparagine.
Molecular consequence: missense variant.
Genome position (GRCh38, 1-based): chr4:112,431,235, G>A. VCF-style: chr4-112431235-G-A. GRCh37 (hg19) VCF-style: chr4-113352391-G-A.
Other names: c.1688G>A, p.Ser563Asn (NM_001102406.2); c.1454G>A, p.Ser485Asn (NM_001253884.2); short protein forms S563N, S485N.
Identifiers: ClinVar variation 2108534 (VCV002108534.4), dbSNP rs771652027, ClinGen allele CA3046779.
Genomic context (GRCh38, chr4:112,431,235, plus strand): 5'-ATGCATTTCGAGTCTCCTTGGATCAAGATGTGGAGACTGAGACTGAGCCATCGGACTACA[G>A]CAATGGTGAGGGAGCTGTTTTCAACAAGTCTCTGAGTGGCAGCCAGACTTCCAGTGCTTG-3'
Protein context (NP_079420.3, residues 553-573): VETETEPSDY[Ser563Asn]NGEGAVFNKS